The following is an entry in ClinVar:

ClinVar aggregate classification (germline): Uncertain significance (1 of 4 stars; one submission).

Conditions:
Brachyolmia-amelogenesis imperfecta syndrome. Also called: PLATYSPONDYLY WITH AMELOGENESIS IMPERFECTA; Tooth agenesis, selective, 6; Dental anomalies and short stature. Identifiers: Orphanet 2899, MedGen C1832594, MONDO:0011018, OMIM 601216. Disease mechanism: loss of function.

Allele frequency attached by ClinVar (database versions not stated): gnomAD exomes below 0.00001; TOPMed 0.00001; gnomAD 0.00001.
gnomAD v4.1: 3 of 1,613,988 alleles (0.00019%); highest among the groups gnomAD compares: Non-Finnish European, 0.00025%; no homozygotes.

Submission:

Labcorp Genetics (formerly Invitae), Labcorp
Classification: Uncertain significance for Brachyolmia-amelogenesis imperfecta syndrome. Last evaluated: 2025-05-26. Review status: criteria provided, single submitter. Criteria: Invitae Variant Classification Sherloc (09022015). Collection method: clinical testing. Allele origin: germline.
Comment: This sequence change replaces isoleucine, which is neutral and non-polar, with methionine, which is neutral and non-polar, at codon 837 of the LTBP3 protein (p.Ile837Met). This variant is present in population databases (no rsID available, gnomAD 0.0009%). This variant has not been reported in the literature in individuals affected with LTBP3-related conditions. ClinVar contains an entry for this variant (Variation ID: 1969123). An algorithm developed to predict the effect of missense changes on protein structure and function (PolyPhen-2) suggests that this variant is likely to be disruptive. In summary, the available evidence is currently insufficient to determine the role of this variant in disease. Therefore, it has been classified as a Variant of Uncertain Significance.

NM_001130144.3(LTBP3):c.2511T>G (p.Ile837Met)

Gene: LTBP3 (latent transforming growth factor beta binding protein 3; minus strand). Cytogenetic location: 11q13.1.
Variant type: single nucleotide variant.
Coding change: c.2511T>G on transcript NM_001130144.3 (MANE Select); coding-DNA position 2511, T replaced by G.
Protein change: p.Ile837Met; replaces isoleucine 837 with methionine.
Molecular consequence: missense variant.
Genome position (GRCh38, 1-based): chr11:65,543,190, A>C on the plus strand (T>G on the coding strand, the complement: LTBP3 is on the minus strand). VCF-style: chr11-65543190-A-C. GRCh37 (hg19) VCF-style: chr11-65310661-A-C.
Other names: c.2160T>G, p.Ile720Met (NM_001164266.1); c.2511T>G, p.Ile837Met (NM_021070.4); short protein forms I837M, I720M.
Identifiers: ClinVar variation 1969123 (VCV001969123.5), dbSNP rs1359056577, ClinGen allele CA381269097.